The following is an entry in ClinVar:

ClinVar aggregate classification (germline): Pathogenic (1 of 4 stars; one submission).

Conditions:
Hereditary cancer-predisposing syndrome. Also called: Neoplastic Syndromes, Hereditary; Tumor predisposition; Hereditary neoplastic syndrome; Hereditary Cancer Syndrome. Identifiers: Orphanet 140162, MedGen C0027672, MeSH D009386, MONDO:0015356.

Submission:

Ambry Genetics
Classification: Pathogenic for Hereditary cancer-predisposing syndrome. Last evaluated: 2026-07-10. Review status: criteria provided, single submitter. Criteria: Ambry Variant Classification Scheme 2023. Collection method: clinical testing. Allele origin: germline.
Comment: The c.1137_1140dupAGAT pathogenic mutation, located in coding exon 4 of the MSH6 gene, results from a duplication of AGAT at nucleotide position 1137, causing a translational frameshift with a predicted alternate stop codon (p.E381Rfs*2). This variant is considered to be rare based on population cohorts in the Genome Aggregation Database (gnomAD). This variant is expected to result in loss of function by premature protein truncation or nonsense-mediated mRNA decay. As such, this variant is interpreted as a disease-causing mutation.

NM_000179.3(MSH6):c.1137_1140dup (p.Glu381delinsArgTer)

Gene: MSH6 (mutS homolog 6; plus strand). Cytogenetic location: 2p16.3.
Variant type: Duplication.
Coding change: c.1137_1140dup on transcript NM_000179.3 (MANE Select); coding-DNA positions 1137 to 1140, 4 bases duplicated (AGAT; older notation c.1137_1140dupAGAT).
Protein change: p.Glu381delinsArgTer.
Molecular consequence: nonsense. On other transcripts: non-coding transcript variant (4), intron variant (1), frameshift variant (1).
Genome position (GRCh38, 1-based): chr2:47,799,120-47,799,123, AGAT duplicated. VCF-style (leftmost placement, unchanged base first): chr2-47799119-G-GAGAT. GRCh37 (hg19) VCF-style: chr2-48026258-G-GAGAT.
Other names: c.840_843dup, p.Glu282delinsArgTer (NM_001406827.1, NM_001406828.1, NM_001406830.1 and 10 more transcripts); c.231_234dup, p.Glu79delinsArgTer (NM_001406829.1, NM_001281493.2, NM_001281494.2 and 6 more transcripts); c.628-1546_628-1543dup (NM_001407362.1); c.747_750dup, p.Glu251delinsArgTer (NM_001281492.2); c.1233_1236dup, p.Glu413delinsArgTer (NM_001406795.1, NM_001406802.1); c.1137_1140dup, p.Glu381delinsArgTer (NM_001406796.1, NM_001406798.1, NM_001406800.1 and 4 more transcripts); c.612_615dup, p.Glu206delinsArgTer (NM_001406799.1, NM_001406806.1, NM_001406807.1); c.1059_1062dup, p.Glu355delinsArgTer (NM_001406804.1); and 3 more.
Identifiers: ClinVar variation 5024911 (VCV005024911.1).